The following is an entry in ClinVar:

ClinVar aggregate classification (germline): Likely benign. Review status: criteria provided, single submitter (1 of 4 stars). 2 submissions from 2 submitters: Likely benign (1). 1 of the submissions does not count toward it. Last evaluated 2024-06-03.

Conditions:
Cardiovascular phenotype. Identifiers: MedGen CN230736.
TTN-related disorder. Also called: TTN-related condition; TTN-related disease; TTN-related disorders.

Submissions (2):

Ambry Genetics
Classification: Likely benign for Cardiovascular phenotype. Last evaluated: 2024-06-03. Review status: criteria provided, single submitter. Criteria: Ambry Variant Classification Scheme 2023. Collection method: clinical testing. Allele origin: germline.

PreventionGenetics, part of Exact Sciences
Classification: Likely benign for TTN-related condition. Last evaluated: 2022-04-26. Review status: no assertion criteria provided. Collection method: clinical testing. Allele origin: germline. Not counted in ClinVar's aggregate classification.
Comment: This variant is classified as likely benign based on ACMG/AMP sequence variant interpretation guidelines (Richards et al. 2015 PMID: 25741868, with internal and published modifications).

NM_001267550.2(TTN):c.89391A>C (p.Val29797=)

Genes: TTN (titin; minus strand), TTN-AS1 (TTN antisense RNA 1; plus strand). Cytogenetic location: 2q31.2.
Variant type: single nucleotide variant.
Coding change: c.89391A>C on transcript NM_001267550.2 (MANE Select); coding-DNA position 89391, A replaced by C.
Protein change: p.Val29797=; no amino-acid change (valine 29797 retained).
Molecular consequence: synonymous variant.
Genome position (GRCh38, 1-based): chr2:178,553,614, T>G on the plus strand (A>C on the coding strand, the complement: TTN is on the minus strand). VCF-style: chr2-178553614-T-G. GRCh37 (hg19) VCF-style: chr2-179418341-T-G.
Other names: c.84468A>C, p.Val28156= (NM_001256850.1); c.62196A>C, p.Val20732= (NM_003319.4); c.81687A>C, p.Val27229= (NM_133378.4); c.62571A>C, p.Val20857= (NM_133432.3); c.62772A>C, p.Val20924= (NM_133437.4).
Identifiers: ClinVar variation 3045559 (VCV003045559.3), dbSNP rs2469334379, ClinGen allele CA430246255.